The following is an entry in ClinVar:

NM_015662.3(IFT172):c.4307A>G (p.Lys1436Arg)

Gene: IFT172 (intraflagellar transport 172; minus strand). Cytogenetic location: 2p23.3.
Variant type: single nucleotide variant.
Coding change: c.4307A>G on transcript NM_015662.3 (MANE Select); coding-DNA position 4307, A replaced by G.
Protein change: p.Lys1436Arg; replaces lysine 1436 with arginine.
Molecular consequence: missense variant.
Genome position (GRCh38, 1-based): chr2:27,449,298, T>C on the plus strand (A>G on the coding strand, the complement: IFT172 is on the minus strand). VCF-style: chr2-27449298-T-C. GRCh37 (hg19) VCF-style: chr2-27672165-T-C.
Other names: short protein forms K1436R.
Identifiers: ClinVar variation 1422364 (VCV001422364.6), dbSNP rs377646246, ClinGen allele CA346420619.

ClinVar aggregate classification (germline): Uncertain significance (1 of 4 stars; one submission).

Conditions:
Retinitis pigmentosa 71 (RP71). Identifiers: Orphanet 791, MedGen C4225342, MONDO:0014618, OMIM 616394.
Short-rib thoracic dysplasia 10 with or without polydactyly (SRTD10). Identifiers: Orphanet 474, MedGen C3810175, MONDO:0014284, OMIM 615630.

gnomAD v4.1: 19 of 1,614,148 alleles (0.0012%); highest among the groups gnomAD compares: Non-Finnish European, 0.0014%; no homozygotes.

Submission:

Labcorp Genetics (formerly Invitae), Labcorp
Classification: Uncertain significance for Retinitis pigmentosa 71; Short-rib thoracic dysplasia 10 with or without polydactyly. Last evaluated: 2022-06-20. Review status: criteria provided, single submitter. Criteria: Invitae Variant Classification Sherloc (09022015). Collection method: clinical testing. Allele origin: germline.
Comment: In summary, the available evidence is currently insufficient to determine the role of this variant in disease. Therefore, it has been classified as a Variant of Uncertain Significance. Algorithms developed to predict the effect of sequence changes on RNA splicing suggest that this variant may create or strengthen a splice site. Algorithms developed to predict the effect of missense changes on protein structure and function (SIFT, PolyPhen-2, Align-GVGD) all suggest that this variant is likely to be tolerated. This variant has not been reported in the literature in individuals affected with IFT172-related conditions. This variant is not present in population databases (gnomAD no frequency). This sequence change replaces lysine, which is basic and polar, with arginine, which is basic and polar, at codon 1436 of the IFT172 protein (p.Lys1436Arg).